The following is an entry in ClinVar:

NM_014283.5(SUCO):c.110C>T (p.Ala37Val)

Gene: SUCO (SUN domain containing ossification factor; plus strand). Cytogenetic location: 1q24.3.
Variant type: single nucleotide variant.
Coding change: c.110C>T on transcript NM_014283.5 (MANE Select); coding-DNA position 110, C replaced by T.
Protein change: p.Ala37Val; replaces alanine 37 with valine.
Molecular consequence: missense variant. On other transcripts: 5 prime UTR variant (1).
Genome position (GRCh38, 1-based): chr1:172,551,559, C>T. VCF-style: chr1-172551559-C-T. GRCh37 (hg19) VCF-style: chr1-172520699-C-T.
Other names: c.110C>T, p.Ala37Val (NM_001282750.2); c.-1420C>T (NM_001282751.2); c.695C>T, p.Ala232Val (NM_016227.4); c.110C>T (NM_014283.3); short protein forms A232V, A37V.
Identifiers: ClinVar variation 1386484 (VCV001386484.9), dbSNP rs148137461, ClinGen allele CA1246460.

ClinVar aggregate classification (germline): Uncertain significance. Review status: criteria provided, multiple submitters, no conflicts (2 of 4 stars). 2 submissions from 2 submitters: Uncertain significance (2). Last evaluated 2024-05-22.

Allele frequency attached by ClinVar (database versions not stated): gnomAD 0.00003 and 0.00004; gnomAD exomes 0.00003; TOPMed 0.00003; ExAC 0.00004; ESP Exome Variant Server 0.00008.

Submissions (2):

Labcorp Genetics (formerly Invitae), Labcorp
Classification: Uncertain significance. Last evaluated: 2024-05-22. Review status: criteria provided, single submitter. Criteria: Invitae Variant Classification Sherloc (09022015). Collection method: clinical testing. Allele origin: germline.
Comment: This sequence change replaces alanine, which is neutral and non-polar, with valine, which is neutral and non-polar, at codon 37 of the SUCO protein (p.Ala37Val). This variant is present in population databases (rs148137461, gnomAD 0.007%). This variant has not been reported in the literature in individuals affected with SUCO-related conditions. ClinVar contains an entry for this variant (Variation ID: 1386484). An algorithm developed to predict the effect of missense changes on protein structure and function (PolyPhen-2) suggests that this variant is likely to be tolerated. In summary, the available evidence is currently insufficient to determine the role of this variant in disease. Therefore, it has been classified as a Variant of Uncertain Significance.

Ambry Genetics
Classification: Uncertain significance. Last evaluated: 2024-01-16. Review status: criteria provided, single submitter. Criteria: Ambry Variant Classification Scheme 2023. Collection method: clinical testing. Allele origin: germline.